The following is an entry in ClinVar:

ClinVar aggregate classification (germline): Uncertain significance (1 of 4 stars; one submission).

Conditions:
Hyperkalemic periodic paralysis. Also called: Familial hyperkalemic periodic paralysis; Gamstorp disease. Identifiers: Orphanet 682, MedGen C0238357, MONDO:0008224, OMIM 170500, HP:0007215.

Allele frequency attached by ClinVar (database versions not stated): gnomAD exomes below 0.00001.

Submission:

Labcorp Genetics (formerly Invitae), Labcorp
Classification: Uncertain significance for Hyperkalemic periodic paralysis. Last evaluated: 2023-09-11. Review status: criteria provided, single submitter. Criteria: Invitae Variant Classification Sherloc (09022015). Collection method: clinical testing. Allele origin: germline.
Comment: This variant has not been reported in the literature in individuals affected with SCN4A-related conditions. This variant is present in population databases (no rsID available, gnomAD 0.003%). This sequence change replaces serine, which is neutral and polar, with glycine, which is neutral and non-polar, at codon 1787 of the SCN4A protein (p.Ser1787Gly). Algorithms developed to predict the effect of missense changes on protein structure and function output the following: SIFT: "Not Available"; PolyPhen-2: "Benign"; Align-GVGD: "Not Available". The glycine amino acid residue is found in multiple mammalian species, which suggests that this missense change does not adversely affect protein function. In summary, the available evidence is currently insufficient to determine the role of this variant in disease. Therefore, it has been classified as a Variant of Uncertain Significance.

NM_000334.4(SCN4A):c.5359A>G (p.Ser1787Gly)

Genes: GH-LCR (growth hormone locus control region; plus strand), SCN4A (sodium voltage-gated channel alpha subunit 4; minus strand). Cytogenetic location: 17q23.3.
Variant type: single nucleotide variant.
Coding change: c.5359A>G on transcript NM_000334.4 (MANE Select); coding-DNA position 5359, A replaced by G.
Protein change: p.Ser1787Gly; replaces serine 1787 with glycine.
Molecular consequence: missense variant.
Genome position (GRCh38, 1-based): chr17:63,940,923, T>C on the plus strand (A>G on the coding strand, the complement: SCN4A is on the minus strand). VCF-style: chr17-63940923-T-C. GRCh37 (hg19) VCF-style: chr17-62018283-T-C.
Other names: short protein forms S1787G.
Identifiers: ClinVar variation 2723819 (VCV002723819.3), dbSNP rs751841516, ClinGen allele CA400610639.